The following is an entry in ClinVar:

NM_024408.4(NOTCH2):c.3297C>T (p.Asp1099=)

Gene: NOTCH2 (notch receptor 2; minus strand). Cytogenetic location: 1p12.
Variant type: single nucleotide variant.
Coding change: c.3297C>T on transcript NM_024408.4 (MANE Select); coding-DNA position 3297, C replaced by T.
Protein change: p.Asp1099=; no amino-acid change (aspartic acid 1099 retained).
Molecular consequence: synonymous variant.
Genome position (GRCh38, 1-based): chr1:119,937,897, G>A on the plus strand (C>T on the coding strand, the complement: NOTCH2 is on the minus strand). VCF-style: chr1-119937897-G-A. GRCh37 (hg19) VCF-style: chr1-120480520-G-A.
Other names: c.3297C>T, p.Asp1099= (NM_001200001.2); c.3297C>T (NM_024408.3).
Identifiers: ClinVar variation 2050996 (VCV002050996.7), dbSNP rs376196638, ClinGen allele CA1040105.
Genomic context (GRCh38, chr1:119,937,897, plus strand): 5'-CCCAAGGGAGCAAAGCTTACCTCTCCTGGAGGCTGCTATGTCACAAGAGACATTGGGCAC[G>A]TCACAATAGGCACCAGCCCATCCAGATGGACATAGGCACTGGGACTCTGCTTTTTTCTGA-3'
Protein context (NP_077719.2, residues 1089-1109): CPSGWAGAYC[Asp1099=]VPNVSCDIAA

ClinVar aggregate classification (germline): Likely benign. Review status: criteria provided, multiple submitters, no conflicts (2 of 4 stars). 3 submissions from 3 submitters: Likely benign (2). 1 of the submissions does not count toward it. Last evaluated 2025-06-23.

Conditions:
Hajdu-Cheney syndrome (HJCYS). Also called: Acroosteolysis dominant type; SERPENTINE FIBULA-POLYCYSTIC KIDNEY SYNDROME; ACROOSTEOLYSIS WITH OSTEOPOROSIS AND CHANGES IN SKULL AND MANDIBLE. Identifiers: Orphanet 955, MedGen C0917715, MONDO:0007057, OMIM 102500.
NOTCH2-related disorder. Also called: NOTCH2-related condition.

Allele frequency attached by ClinVar (database versions not stated): gnomAD exomes 0.00001; ExAC 0.00002; TOPMed 0.00002; gnomAD 0.00003.
gnomAD v4.1: 33 of 1,614,082 alleles (0.002%); highest among the groups gnomAD compares: Middle Eastern, 0.016%; no homozygotes.

Submissions (3):

Labcorp Genetics (formerly Invitae), Labcorp
Classification: Likely benign for Hajdu-Cheney syndrome. Last evaluated: 2025-06-23. Review status: criteria provided, single submitter. Criteria: Invitae Variant Classification Sherloc (09022015). Collection method: clinical testing. Allele origin: germline.

Blueprint Genetics
Classification: Likely benign. Last evaluated: 2022-12-05. Review status: criteria provided, single submitter. Criteria: ACMG Guidelines, 2015. Collection method: clinical testing. Allele origin: germline.

PreventionGenetics, part of Exact Sciences
Classification: Likely benign for NOTCH2-related condition. Last evaluated: 2021-10-19. Review status: no assertion criteria provided. Collection method: clinical testing. Allele origin: germline. Not counted in ClinVar's aggregate classification.
Comment: This variant is classified as likely benign based on ACMG/AMP sequence variant interpretation guidelines (Richards et al. 2015 PMID: 25741868, with internal and published modifications).